The following is an entry in ClinVar:

NM_001145809.2(MYH14):c.5960+8C>T

Gene: MYH14 (myosin heavy chain 14; plus strand). Cytogenetic location: 19q13.33.
Variant type: single nucleotide variant.
Coding change: c.5960+8C>T on transcript NM_001145809.2 (MANE Select); 8 bases into the intron after coding-DNA position 5960, C replaced by T.
Molecular consequence: intron variant.
Genome position (GRCh38, 1-based): chr19:50,309,185, C>T. VCF-style: chr19-50309185-C-T. GRCh37 (hg19) VCF-style: chr19-50812442-C-T.
Other names: c.5861+8C>T (NM_001077186.2); c.5837+8C>T (NM_024729.4).
Identifiers: ClinVar variation 504623 (VCV000504623.15), dbSNP rs373176553, ClinGen allele CA9593940.
Genomic context (GRCh38, chr19:50,309,185, plus strand): 5'-GAGTCGGCCGAGTCCATGAACCGTGAAGTGACCACACTGAGGAACCGGCTTCGGTATGGT[C>T]ATCCCACGTACAGGCCTGACGGGTGGGGAGCACCCTAACTCCATAAACCCCAGGGACGCG-3'

ClinVar aggregate classification (germline): Benign/Likely benign. Review status: criteria provided, multiple submitters, no conflicts (2 of 4 stars). 4 submissions from 4 submitters: Benign (1); Likely benign (2). 1 of the submissions does not count toward it. Last evaluated 2026-01-19.

Conditions:
MYH14-related disorder. Also called: MYH14-related condition.

Allele frequency attached by ClinVar (database versions not stated): gnomAD exomes 0.00002 and 0.00006; ExAC 0.00006; ESP Exome Variant Server 0.00008; gnomAD 0.00028 and 0.00034; TOPMed 0.00032.
gnomAD v4.1: 70 of 1,613,450 alleles (0.0043%); highest among the groups gnomAD compares: African/African-American, 0.088%; no homozygotes.

Submissions (4):

Labcorp Genetics (formerly Invitae), Labcorp
Classification: Benign. Last evaluated: 2026-01-19. Review status: criteria provided, single submitter. Criteria: Invitae Variant Classification Sherloc (09022015). Collection method: clinical testing. Allele origin: germline.

Blueprint Genetics
Classification: Likely benign. Last evaluated: 2021-04-22. Review status: criteria provided, single submitter. Criteria: ACMG Guidelines, 2015. Collection method: clinical testing. Allele origin: germline.

Laboratory for Molecular Medicine, Mass General Brigham Personalized Medicine
Classification: Likely benign. Last evaluated: 2016-06-04. Review status: criteria provided, single submitter. Criteria: LMM Criteria. Collection method: clinical testing. Allele origin: germline. Observed: 1 variant allele.
Comment: c.5960+8C>T in intron 42 of MYH14: This variant is not expected to have clinical significance because it is not located within the conserved splice consensus se quence and has been identified in 7/9792 African chromosomes by the Exome Aggre gation Consortium (ExAC; dbSNP rs373176553).

PreventionGenetics, part of Exact Sciences
Classification: Likely benign for MYH14-related condition. Last evaluated: 2019-07-11. Review status: no assertion criteria provided. Collection method: clinical testing. Allele origin: germline. Not counted in ClinVar's aggregate classification.
Comment: This variant is classified as likely benign based on ACMG/AMP sequence variant interpretation guidelines (Richards et al. 2015 PMID: 25741868, with internal and published modifications).